The following is an entry in ClinVar:

NM_000161.3(GCH1):c.601G>C (p.Gly201Arg)

Gene: GCH1 (GTP cyclohydrolase 1; minus strand). Cytogenetic location: 14q22.2.
Variant type: single nucleotide variant.
Coding change: c.601G>C on transcript NM_000161.3 (MANE Select); coding-DNA position 601, G replaced by C.
Protein change: p.Gly201Arg; replaces glycine 201 with arginine.
Molecular consequence: missense variant. On other transcripts: intron variant (1).
Genome position (GRCh38, 1-based): chr14:54,845,793, C>G on the plus strand (G>C on the coding strand, the complement: GCH1 is on the minus strand). VCF-style: chr14-54845793-C-G. GRCh37 (hg19) VCF-style: chr14-55312511-C-G.
Other names: c.601G>C, p.Gly201Arg (NM_001024024.2, NM_001024070.2, NM_001024071.2); c.307G>C, p.Gly103Arg (NM_001424105.1); c.510-2739G>C (NM_001424104.1); short protein forms G103R, G201R.
Identifiers: ClinVar variation 2953555 (VCV002953555.3), dbSNP rs2140041673, ClinGen allele CA389787308.

ClinVar aggregate classification (germline): Pathogenic (1 of 4 stars; one submission).

Conditions:
GTP cyclohydrolase I deficiency. Identifiers: MedGen C0268467, MONDO:0100184.
Dystonia 5 (DRD). Also called: DYSTONIA, PROGRESSIVE, WITH DIURNAL VARIATION; DYSTONIA-PARKINSONISM WITH DIURNAL FLUCTUATION; Dystonia, DOPA-responsive, with or without hyperphenylalaninemia; DYT-GCH1; GTP Cyclohydrolase 1-Deficient Dopa-Responsive Dystonia. Identifiers: Orphanet 98808, MedGen C1851920, MONDO:0007495, OMIM 128230.

Submission:

Labcorp Genetics (formerly Invitae), Labcorp
Classification: Pathogenic for GTP cyclohydrolase I deficiency; Dystonia 5. Last evaluated: 2023-12-06. Review status: criteria provided, single submitter. Criteria: Invitae Variant Classification Sherloc (09022015). Collection method: clinical testing. Allele origin: germline.
Comment: This sequence change replaces glycine, which is neutral and non-polar, with arginine, which is basic and polar, at codon 201 of the GCH1 protein (p.Gly201Arg). This variant is not present in population databases (gnomAD no frequency). This missense change has been observed in individual(s) with opa-responsive dystonia (PMID: 15753436; Invitae). In at least one individual the variant was observed to be de novo. Advanced modeling of protein sequence and biophysical properties (such as structural, functional, and spatial information, amino acid conservation, physicochemical variation, residue mobility, and thermodynamic stability) performed at Invitae indicates that this missense variant is expected to disrupt GCH1 protein function with a positive predictive value of 80%. This variant disrupts the p.Gly201 amino acid residue in GCH1. Other variant(s) that disrupt this residue have been observed in individuals with GCH1-related conditions (PMID: 7874165, 15753436), which suggests that this may be a clinically significant amino acid residue. For these reasons, this variant has been classified as Pathogenic.

Literature cited by the submitters: PubMed 15753436; PubMed 7874165.